The following is an entry in ClinVar:

NM_004360.5(CDH1):c.1739C>T (p.Thr580Ile)

Gene: CDH1 (cadherin 1; plus strand). Cytogenetic location: 16q22.1.
Variant type: single nucleotide variant.
Coding change: c.1739C>T on transcript NM_004360.5 (MANE Select); coding-DNA position 1739, C replaced by T.
Protein change: p.Thr580Ile; replaces threonine 580 with isoleucine.
Molecular consequence: missense variant. On other transcripts: 5 prime UTR variant (1).
Genome position (GRCh38, 1-based): chr16:68,822,028, C>T. VCF-style: chr16-68822028-C-T. GRCh37 (hg19) VCF-style: chr16-68855931-C-T.
Other names: c.1556C>T, p.Thr519Ile (NM_001317184.2); c.191C>T, p.Thr64Ile (NM_001317185.2); c.-227C>T (NM_001317186.2); short protein forms T64I, T519I, T580I.
Identifiers: ClinVar variation 1361336 (VCV001361336.12), dbSNP rs1961157345, ClinGen allele CA396466367.
Genomic context (GRCh38, chr16:68,822,028, plus strand): 5'-AAGCTGCCACATTTTCTGTGTATTTTCTCTTAGGTTCTCCAGTTGCTACTGGAACAGGGA[C>T]ACTTCTGCTGATCCTGTCTGATGTGAATGACAACGCCCCCATACCAGAACCTCGAACTAT-3'
Protein context (NP_004351.1, residues 570-590): NGSPVATGTG[Thr580Ile]LLLILSDVND

ClinVar aggregate classification (germline): Uncertain significance. Review status: criteria provided, multiple submitters, no conflicts (2 of 4 stars). 2 submissions from 2 submitters: Uncertain significance (2). Last evaluated 2025-03-13.

Conditions:
Hereditary cancer-predisposing syndrome. Also called: Hereditary Cancer Syndrome; Hereditary neoplastic syndrome; Tumor predisposition; Neoplastic Syndromes, Hereditary. Identifiers: Orphanet 140162, MedGen C0027672, MeSH D009386, MONDO:0015356.
Hereditary diffuse gastric adenocarcinoma (HDGC). Also called: DIFFUSE GASTRIC AND LOBULAR BREAST CANCER SYNDROME. Identifiers: Orphanet 26106, MedGen C1708349, MONDO:0007648, OMIM 137215.

Allele frequency attached by ClinVar (database versions not stated): gnomAD exomes below 0.00001.
gnomAD v4.1: 1 of 1,614,140 alleles (0.000062%); highest among the groups gnomAD compares: Non-Finnish European, 0.000085%; no homozygotes.

Submissions (2):

Ambry Genetics
Classification: Uncertain significance for Hereditary cancer-predisposing syndrome. Last evaluated: 2025-03-13. Review status: criteria provided, single submitter. Criteria: Ambry Variant Classification Scheme 2023. Collection method: clinical testing. Allele origin: germline.
Comment: The p.T580I variant (also known as c.1739C>T), located in coding exon 12 of the CDH1 gene, results from a C to T substitution at nucleotide position 1739. The threonine at codon 580 is replaced by isoleucine, an amino acid with similar properties. This amino acid position is highly conserved in available vertebrate species. In addition, the in silico prediction for this alteration is inconclusive. Based on the available evidence, the clinical significance of this variant remains unclear.

Labcorp Genetics (formerly Invitae), Labcorp
Classification: Uncertain significance for Hereditary diffuse gastric adenocarcinoma. Last evaluated: 2024-02-22. Review status: criteria provided, single submitter. Criteria: Invitae Variant Classification Sherloc (09022015). Collection method: clinical testing. Allele origin: germline.
Comment: This sequence change replaces threonine, which is neutral and polar, with isoleucine, which is neutral and non-polar, at codon 580 of the CDH1 protein (p.Thr580Ile). This variant is not present in population databases (gnomAD no frequency). This variant has not been reported in the literature in individuals affected with CDH1-related conditions. ClinVar contains an entry for this variant (Variation ID: 1361336). An algorithm developed to predict the effect of missense changes on protein structure and function (PolyPhen-2) suggests that this variant is likely to be disruptive. In summary, the available evidence is currently insufficient to determine the role of this variant in disease. Therefore, it has been classified as a Variant of Uncertain Significance.